The following is an entry in ClinVar:

NM_000059.4(BRCA2):c.9646C>G (p.Leu3216Val)

Gene: BRCA2 (BRCA2 DNA repair associated; plus strand). Cytogenetic location: 13q13.1.
Variant type: single nucleotide variant.
Coding change: c.9646C>G on transcript NM_000059.4 (MANE Select); coding-DNA position 9646, C replaced by G.
Protein change: p.Leu3216Val; replaces leucine 3216 with valine.
Molecular consequence: missense variant. On other transcripts: non-coding transcript variant (1).
Genome position (GRCh38, 1-based): chr13:32,397,042, C>G. VCF-style: chr13-32397042-C-G. GRCh37 (hg19) VCF-style: chr13-32971179-C-G.
Other names: c.9550C>G, p.Leu3184Val (NM_001406719.1); c.9595C>G, p.Leu3199Val (NM_001406720.1); c.4714C>G, p.Leu1572Val (NM_001406721.1); c.3229C>G, p.Leu1077Val (NM_001406722.1); c.9646C>G, p.Leu3216Val (NM_001432077.1); short protein forms L3199V, L1077V, L1572V, L3184V, L3216V.
Identifiers: ClinVar variation 3727839 (VCV003727839.2).

ClinVar aggregate classification (germline): Uncertain significance (1 of 4 stars; one submission).

Conditions:
Hereditary breast ovarian cancer syndrome. Also called: Hereditary breast and ovarian cancer syndrome; Hereditary breast and/or ovarian cancer syndrome; Hereditary breast and ovarian cancer; Hereditary breast and ovarian cancer syndrome (HBOC); Breast and ovarian cancer; BRCA1- and BRCA2-Associated Hereditary Breast and Ovarian Cancer. Identifiers: Orphanet 145, MedGen C0677776, MeSH D061325, MONDO:0003582. Disease mechanism: loss of function.

Submission:

Labcorp Genetics (formerly Invitae), Labcorp
Classification: Uncertain significance for Hereditary breast ovarian cancer syndrome. Last evaluated: 2024-12-23. Review status: criteria provided, single submitter. Criteria: Invitae Variant Classification Sherloc (09022015). Collection method: clinical testing. Allele origin: germline.
Comment: This sequence change replaces leucine, which is neutral and non-polar, with valine, which is neutral and non-polar, at codon 3216 of the BRCA2 protein (p.Leu3216Val). This variant is not present in population databases (gnomAD no frequency). This variant has not been reported in the literature in individuals affected with BRCA2-related conditions. An algorithm developed to predict the effect of missense changes on protein structure and function outputs the following: PolyPhen-2: "Possibly Damaging". The valine amino acid residue is found in multiple mammalian species, which suggests that this missense change does not adversely affect protein function. In summary, the available evidence is currently insufficient to determine the role of this variant in disease. Therefore, it has been classified as a Variant of Uncertain Significance.